The following is an entry in ClinVar:

NM_001174147.2(LMX1B):c.1057G>A (p.Asp353Asn)

Gene: LMX1B (LIM homeobox transcription factor 1 beta; plus strand). Cytogenetic location: 9q33.3.
Variant type: single nucleotide variant.
Coding change: c.1057G>A on transcript NM_001174147.2 (MANE Select); coding-DNA position 1057, G replaced by A.
Protein change: p.Asp353Asn; replaces aspartic acid 353 with asparagine.
Molecular consequence: missense variant.
Genome position (GRCh38, 1-based): chr9:126,696,299, G>A. VCF-style: chr9-126696299-G-A. GRCh37 (hg19) VCF-style: chr9-129458578-G-A.
Other names: c.1069G>A, p.Asp357Asn (NM_001174146.2); c.1036G>A, p.Asp346Asn (NM_002316.4); short protein forms D357N, D346N, D353N.
Identifiers: ClinVar variation 1440050 (VCV001440050.6), dbSNP rs1310715839, ClinGen allele CA374915990.
Genomic context (GRCh38, chr9:126,696,299, plus strand): 5'-GGCCCCCAGGAGCCCCAGCCTGTACCCCGGTCCTGACACCCCTTCTGCCCCCCAGGGAAC[G>A]ACTCCATCTTCCATGACATCGACAGCGATACCTCCTTAACCAGCCTCAGCGACTGCTTCC-3'
Protein context (NP_001167618.1, residues 343-363): PGDHMNPYGN[Asp353Asn]SIFHDIDSDT

ClinVar aggregate classification (germline): Uncertain significance (1 of 4 stars; one submission).

Allele frequency attached by ClinVar (database versions not stated): gnomAD exomes below 0.00001; TOPMed below 0.00001.
gnomAD v4.1: 2 of 1,613,992 alleles (0.00012%); highest among the groups gnomAD compares: Non-Finnish European, 0.00017%; no homozygotes.

Submission:

Labcorp Genetics (formerly Invitae), Labcorp
Classification: Uncertain significance. Last evaluated: 2021-09-02. Review status: criteria provided, single submitter. Criteria: Invitae Variant Classification Sherloc (09022015). Collection method: clinical testing. Allele origin: germline.
Comment: This sequence change replaces aspartic acid with asparagine at codon 346 of the LMX1B protein (p.Asp346Asn). The aspartic acid residue is highly conserved and there is a small physicochemical difference between aspartic acid and asparagine. This variant is not present in population databases (ExAC no frequency). This variant has not been reported in the literature in individuals affected with LMX1B-related conditions. Algorithms developed to predict the effect of missense changes on protein structure and function are either unavailable or do not agree on the potential impact of this missense change (SIFT: "Tolerated"; PolyPhen-2: "Possibly Damaging"; Align-GVGD: "Class C0"). In summary, the available evidence is currently insufficient to determine the role of this variant in disease. Therefore, it has been classified as a Variant of Uncertain Significance.